The following is an entry in ClinVar:

ClinVar aggregate classification (germline): Uncertain significance (1 of 4 stars; one submission).

Conditions:
Cardiovascular phenotype. Identifiers: MedGen CN230736.

Submission:

Ambry Genetics
Classification: Uncertain significance for Cardiovascular phenotype. Last evaluated: 2026-08-19. Review status: criteria provided, single submitter. Criteria: Ambry Variant Classification Scheme 2023. Collection method: clinical testing. Allele origin: germline.
Comment: The p.A83V variant (also known as c.248C>T), located in coding exon 1 of the FOXE3 gene, results from a C to T substitution at nucleotide position 248. The alanine at codon 83 is replaced by valine, an amino acid with similar properties. This amino acid position is conserved. In addition, this alteration is predicted to be deleterious by in silico analysis. Based on the available evidence, the clinical significance of this variant remains unclear.

NM_012186.3(FOXE3):c.248C>T (p.Ala83Val)

Genes: FOXE3 (forkhead box E3; plus strand), LINC01389 (long independently transcribed non-coding RNA 1389; minus strand). Cytogenetic location: 1p33.
Variant type: single nucleotide variant.
Coding change: c.248C>T on transcript NM_012186.3 (MANE Select); coding-DNA position 248, C replaced by T.
Protein change: p.Ala83Val; replaces alanine 83 with valine.
Molecular consequence: missense variant.
Genome position (GRCh38, 1-based): chr1:47,416,563, C>T. VCF-style: chr1-47416563-C-T. GRCh37 (hg19) VCF-style: chr1-47882235-C-T.
Other names: short protein forms A83V.
Identifiers: ClinVar variation 5022011 (VCV005022011.1).
Genomic context (GRCh38, chr1:47,416,563, plus strand): 5'-GGCGGCGGCCCCTGCAGCGCGGGAAGCCGCCCTACTCGTACATCGCGCTCATCGCCATGG[C>T]TCTGGCGCACGCCCCGGGCCGCCGCCTCACGCTGGCCGCCATCTACCGCTTCATCACCGA-3'
Protein context (NP_036318.1, residues 73-93): PYSYIALIAM[Ala83Val]LAHAPGRRLT